The following is an entry in ClinVar:

ClinVar aggregate classification (germline): Uncertain significance (1 of 4 stars; one submission).

Conditions:
Regional enteritis. Also called: Enteritis, Granulomatous. Identifiers: MedGen C0678202, MeSH D003424.
Blau syndrome (BLAUS). Also called: ARTHROCUTANEOUVEAL GRANULOMATOSIS; GRANULOMATOSIS, FAMILIAL JUVENILE SYSTEMIC; GRANULOMATOSIS, FAMILIAL, BLAU TYPE; GRANULOMATOUS INFLAMMATORY ARTHRITIS, DERMATITIS, AND UVEITIS, FAMILIAL; JABS SYNDROME. Identifiers: Orphanet 90340, MedGen C5201146, MONDO:0008523, OMIM 186580.

gnomAD v4.1: 3 of 1,613,984 alleles (0.00019%); highest among the groups gnomAD compares: Admixed American, 0.005%; no homozygotes.

Submission:

Labcorp Genetics (formerly Invitae), Labcorp
Classification: Uncertain significance for Regional enteritis; Blau syndrome. Last evaluated: 2025-12-15. Review status: criteria provided, single submitter. Criteria: Invitae Variant Classification Sherloc (09022015). Collection method: clinical testing. Allele origin: germline.
Comment: This sequence change replaces leucine, which is neutral and non-polar, with arginine, which is basic and polar, at codon 257 of the NOD2 protein (p.Leu257Arg). This variant is present in population databases (no rsID available, gnomAD 0.003%). This variant has not been reported in the literature in individuals affected with NOD2-related conditions. ClinVar contains an entry for this variant (Variation ID: 3763239). Invitae Evidence Modeling of protein sequence and biophysical properties (such as structural, functional, and spatial information, amino acid conservation, physicochemical variation, residue mobility, and thermodynamic stability) has been performed for this missense variant. However, the output from this modeling did not meet the statistical confidence thresholds required to predict the impact of this variant on NOD2 protein function. In summary, the available evidence is currently insufficient to determine the role of this variant in disease. Therefore, it has been classified as a Variant of Uncertain Significance.

NM_001370466.1(NOD2):c.689T>G (p.Leu230Arg)

Gene: NOD2 (nucleotide binding oligomerization domain containing 2; plus strand). Cytogenetic location: 16q12.1.
Variant type: single nucleotide variant.
Coding change: c.689T>G on transcript NM_001370466.1 (MANE Select); coding-DNA position 689, T replaced by G.
Protein change: p.Leu230Arg; replaces leucine 230 with arginine.
Molecular consequence: missense variant. On other transcripts: non-coding transcript variant (1).
Genome position (GRCh38, 1-based): chr16:50,710,681, T>G. VCF-style: chr16-50710681-T-G. GRCh37 (hg19) VCF-style: chr16-50744592-T-G.
Other names: c.689T>G, p.Leu230Arg (NM_001293557.2); c.770T>G, p.Leu257Arg (NM_022162.3); short protein forms L230R, L257R.
Identifiers: ClinVar variation 3763239 (VCV003763239.2).